The following is an entry in ClinVar:

NM_000232.5(SGCB):c.785T>C (p.Met262Thr)

Gene: SGCB (sarcoglycan beta; minus strand). Cytogenetic location: 4q12.
Variant type: single nucleotide variant.
Coding change: c.785T>C on transcript NM_000232.5 (MANE Select); coding-DNA position 785, T replaced by C.
Protein change: p.Met262Thr; replaces methionine 262 with threonine.
Molecular consequence: missense variant.
Genome position (GRCh38, 1-based): chr4:52,024,129, A>G on the plus strand (T>C on the coding strand, the complement: SGCB is on the minus strand). VCF-style: chr4-52024129-A-G. GRCh37 (hg19) VCF-style: chr4-52890295-A-G.
Other names: short protein forms M262T.
Identifiers: ClinVar variation 534949 (VCV000534949.10), dbSNP rs201923065, ClinGen allele CA2918277.

ClinVar aggregate classification (germline): Uncertain significance. Review status: criteria provided, multiple submitters, no conflicts (2 of 4 stars). 4 submissions from 4 submitters: Uncertain significance (3). 1 of the submissions does not count toward it. Last evaluated 2022-07-19.

Conditions:
Autosomal recessive limb-girdle muscular dystrophy type 2E (LGMDR4). Also called: MUSCULAR DYSTROPHY, LIMB-GIRDLE, AUTOSOMAL RECESSIVE 4. Identifiers: Orphanet 119, MedGen C1858593, MONDO:0011423, OMIM 604286. Disease mechanism: Affects gamma-sarcoglycan and also disrupts the integrity of the entire sarcoglycan complex..

Allele frequency attached by ClinVar (database versions not stated): gnomAD 0.00004 and 0.00005; gnomAD exomes 0.00006 and 0.00007; TOPMed 0.00007; ExAC 0.00008.

Submissions (4):

Labcorp Genetics (formerly Invitae), Labcorp
Classification: Uncertain significance for Autosomal recessive limb-girdle muscular dystrophy type 2E. Last evaluated: 2022-07-19. Review status: criteria provided, single submitter. Criteria: Invitae Variant Classification Sherloc (09022015). Collection method: clinical testing. Allele origin: germline.
Comment: This sequence change replaces methionine, which is neutral and non-polar, with threonine, which is neutral and polar, at codon 262 of the SGCB protein (p.Met262Thr). This variant is present in population databases (rs201923065, gnomAD 0.02%). This variant has not been reported in the literature in individuals affected with SGCB-related conditions. ClinVar contains an entry for this variant (Variation ID: 534949). Algorithms developed to predict the effect of missense changes on protein structure and function output the following: SIFT: "Deleterious"; PolyPhen-2: "Benign"; Align-GVGD: "Class C25". The threonine amino acid residue is found in multiple mammalian species, which suggests that this missense change does not adversely affect protein function. In summary, the available evidence is currently insufficient to determine the role of this variant in disease. Therefore, it has been classified as a Variant of Uncertain Significance.

Fulgent Genetics
Classification: Uncertain significance for Autosomal recessive limb-girdle muscular dystrophy type 2E. Last evaluated: 2021-11-03. Review status: criteria provided, single submitter. Criteria: ACMG Guidelines, 2015. Collection method: clinical testing. Allele origin: unknown.

Athena Diagnostics
Classification: Uncertain significance. Last evaluated: 2018-12-26. Review status: criteria provided, single submitter. Criteria: Athena Diagnostics Criteria. Collection method: clinical testing. Allele origin: germline.

Natera, Inc.
Classification: Uncertain significance for Limb-girdle muscular dystrophy type 2E. Last evaluated: 2019-11-11. Review status: no assertion criteria provided. Collection method: clinical testing. Allele origin: germline. Not counted in ClinVar's aggregate classification.